The following is an entry in ClinVar:

ClinVar aggregate classification (germline): Uncertain significance. Review status: criteria provided, multiple submitters, no conflicts (2 of 4 stars). 2 submissions from 2 submitters: Uncertain significance (2). Last evaluated 2026-01-01.

Conditions:
Inborn genetic diseases. Identifiers: MedGen C0950123, MeSH D030342.
Primary open angle glaucoma (POAG). Also called: OPTN-related open angle glaucoma. Identifiers: MedGen C0339573, MONDO:0100553, OMIM 137760.
Glaucoma 1, open angle, E. Identifiers: MedGen C1842026, MONDO:0007665.
Amyotrophic lateral sclerosis type 12 (ALS12). Also called: AMYOTROPHIC LATERAL SCLEROSIS 12 WITH OR WITHOUT FRONTOTEMPORAL DEMENTIA. Identifiers: Orphanet 803, MedGen C3150692, MONDO:0013264, OMIM 613435.

Allele frequency attached by ClinVar (database versions not stated): gnomAD 0.00001; ExAC 0.00003.
gnomAD v4.1: 38 of 1,614,042 alleles (0.0024%); highest among the groups gnomAD compares: Admixed American, 0.04%; no homozygotes.

Submissions (2):

Labcorp Genetics (formerly Invitae), Labcorp
Classification: Uncertain significance for Primary open angle glaucoma; Glaucoma 1, open angle, E; Amyotrophic lateral sclerosis type 12. Last evaluated: 2026-01-01. Review status: criteria provided, single submitter. Criteria: Invitae Variant Classification Sherloc (09022015). Collection method: clinical testing. Allele origin: germline.
Comment: This sequence change replaces lysine, which is basic and polar, with asparagine, which is neutral and polar, at codon 223 of the OPTN protein (p.Lys223Asn). This variant is present in population databases (rs778107336, gnomAD 0.05%). This variant has not been reported in the literature in individuals affected with OPTN-related conditions. ClinVar contains an entry for this variant (Variation ID: 1754960). Invitae Evidence Modeling of protein sequence and biophysical properties (such as structural, functional, and spatial information, amino acid conservation, physicochemical variation, residue mobility, and thermodynamic stability) indicates that this missense variant is not expected to disrupt OPTN protein function with a negative predictive value of 80%. In summary, the available evidence is currently insufficient to determine the role of this variant in disease. Therefore, it has been classified as a Variant of Uncertain Significance.

Ambry Genetics
Classification: Uncertain significance for Inborn genetic diseases. Last evaluated: 2025-05-20. Review status: criteria provided, single submitter. Criteria: Ambry Variant Classification Scheme 2023. Collection method: clinical testing. Allele origin: germline.

NM_001008212.2(OPTN):c.669G>T (p.Lys223Asn)

Gene: OPTN (optineurin; plus strand). Cytogenetic location: 10p13.
Variant type: single nucleotide variant.
Coding change: c.669G>T on transcript NM_001008212.2 (MANE Select); coding-DNA position 669, G replaced by T.
Protein change: p.Lys223Asn; replaces lysine 223 with asparagine.
Molecular consequence: missense variant.
Genome position (GRCh38, 1-based): chr10:13,118,930, G>T. VCF-style: chr10-13118930-G-T. GRCh37 (hg19) VCF-style: chr10-13160930-G-T.
Other names: c.669G>T, p.Lys223Asn (NM_001008211.1, NM_001008213.1, NM_021980.4); short protein forms K223N.
Identifiers: ClinVar variation 1754960 (VCV001754960.8), dbSNP rs778107336, ClinGen allele CA5410712.
Genomic context (GRCh38, chr10:13,118,930, plus strand): 5'-AACCTTTATACTGAACAGGGCATTGTCTAAATATAGGAGCAGATCTGCAGATGGGGCCAA[G>T]AATTACTTCGAACATGAGGAGTTAACTGTGAGCCAGCTCCTGCTGTGCCTAAGGGAAGGG-3'
Protein context (NP_001008213.1, residues 213-233): KYRSRSADGA[Lys223Asn]NYFEHEELTV